The following is an entry in ClinVar:

NM_000535.7(PMS2):c.512A>G (p.Lys171Arg)

Gene: PMS2 (PMS1 homolog 2, mismatch repair system component; minus strand). Cytogenetic location: 7p22.1.
Variant type: single nucleotide variant.
Coding change: c.512A>G on transcript NM_000535.7 (MANE Select); coding-DNA position 512, A replaced by G.
Protein change: p.Lys171Arg; replaces lysine 171 with arginine.
Molecular consequence: missense variant. On other transcripts: 5 prime UTR variant (2), non-coding transcript variant (1), intron variant (1).
Genome position (GRCh38, 1-based): chr7:6,002,478, T>C on the plus strand (A>G on the coding strand, the complement: PMS2 is on the minus strand). VCF-style: chr7-6002478-T-C. GRCh37 (hg19) VCF-style: chr7-6042109-T-C.
Other names: c.107A>G, p.Lys36Arg (NM_001322003.2, NM_001322004.2, NM_001322005.2 and 24 more transcripts); c.512A>G, p.Lys171Arg (NM_001322006.2, NM_001322014.2, NM_001406869.1 and 8 more transcripts); c.194A>G, p.Lys65Arg (NM_001322007.2, NM_001322008.2, NM_001406876.1 and 4 more transcripts); c.-373A>G (NM_001322011.2, NM_001322012.2); c.203A>G, p.Lys68Arg (NM_001322015.2, NM_001406875.1, NM_001406877.1 and 6 more transcripts); c.698A>G, p.Lys233Arg (NM_001406866.1); c.536A>G, p.Lys179Arg (NM_001406868.1); c.250+1494A>G (NM_001406885.1); short protein forms K171R, K233R, K36R, K65R, K68R, K179R.
Identifiers: ClinVar variation 3308106 (VCV003308106.1).

ClinVar aggregate classification (germline): Uncertain significance (1 of 4 stars; one submission).

Conditions:
Hereditary cancer-predisposing syndrome. Also called: Tumor predisposition; Hereditary Cancer Syndrome; Hereditary neoplastic syndrome; Neoplastic Syndromes, Hereditary. Identifiers: Orphanet 140162, MedGen C0027672, MeSH D009386, MONDO:0015356.

Submission:

Ambry Genetics
Classification: Uncertain significance for Hereditary cancer-predisposing syndrome. Last evaluated: 2024-05-08. Review status: criteria provided, single submitter. Criteria: Ambry Variant Classification Scheme 2023. Collection method: clinical testing. Allele origin: germline.
Comment: The p.K171R variant (also known as c.512A>G), located in coding exon 5 of the PMS2 gene, results from an A to G substitution at nucleotide position 512. The lysine at codon 171 is replaced by arginine, an amino acid with highly similar properties. This amino acid position is conserved. In addition, the in silico prediction for this alteration is inconclusive. Based on the available evidence, the clinical significance of this variant remains unclear.